The following is an entry in ClinVar:

ClinVar aggregate classification (germline): Uncertain significance (1 of 4 stars; one submission).

gnomAD v4.1: 3 of 1,614,178 alleles (0.00019%); highest among the groups gnomAD compares: South Asian, 0.0011%; no homozygotes.

Submission:

Labcorp Genetics (formerly Invitae), Labcorp
Classification: Uncertain significance. Last evaluated: 2024-02-16. Review status: criteria provided, single submitter. Criteria: Invitae Variant Classification Sherloc (09022015). Collection method: clinical testing. Allele origin: germline.
Comment: This sequence change replaces alanine, which is neutral and non-polar, with threonine, which is neutral and polar, at codon 1232 of the SZT2 protein (p.Ala1232Thr). This variant is not present in population databases (gnomAD no frequency). This variant has not been reported in the literature in individuals affected with SZT2-related conditions. ClinVar contains an entry for this variant (Variation ID: 1400578). Advanced modeling of protein sequence and biophysical properties (such as structural, functional, and spatial information, amino acid conservation, physicochemical variation, residue mobility, and thermodynamic stability) performed at Invitae indicates that this missense variant is not expected to disrupt SZT2 protein function with a negative predictive value of 80%. In summary, the available evidence is currently insufficient to determine the role of this variant in disease. Therefore, it has been classified as a Variant of Uncertain Significance.

NM_001365999.1(SZT2):c.3865G>A (p.Ala1289Thr)

Gene: SZT2 (SZT2 subunit of KICSTOR complex; plus strand). Cytogenetic location: 1p34.2.
Variant type: single nucleotide variant.
Coding change: c.3865G>A on transcript NM_001365999.1 (MANE Select); coding-DNA position 3865, G replaced by A.
Protein change: p.Ala1289Thr; replaces alanine 1289 with threonine.
Molecular consequence: missense variant.
Genome position (GRCh38, 1-based): chr1:43,428,064, G>A. VCF-style: chr1-43428064-G-A. GRCh37 (hg19) VCF-style: chr1-43893735-G-A.
Other names: c.3694G>A, p.Ala1232Thr (NM_015284.4); short protein forms A1232T, A1289T.
Identifiers: ClinVar variation 1400578 (VCV001400578.8), dbSNP rs2153933492, ClinGen allele CA340019471.